The following is an entry in ClinVar:

NM_022464.5(SIL1):c.1030-9G>T

Gene: SIL1 (SIL1 nucleotide exchange factor; minus strand). Cytogenetic location: 5q31.2.
Variant type: single nucleotide variant.
Coding change: c.1030-9G>T on transcript NM_022464.5 (MANE Select); 9 bases into the intron before coding-DNA position 1030, G replaced by T.
Molecular consequence: intron variant.
Genome position (GRCh38, 1-based): chr5:138,947,482, C>A on the plus strand (G>T on the coding strand, the complement: SIL1 is on the minus strand). VCF-style: chr5-138947482-C-A. GRCh37 (hg19) VCF-style: chr5-138283171-C-A.
Other names: c.1030-9G>T (NM_001037633.2).
Identifiers: ClinVar variation 1810095 (VCV001810095.4), dbSNP rs370290043, ClinGen allele CA804575868.

ClinVar aggregate classification (germline): Conflicting classifications of pathogenicity. Review status: criteria provided, conflicting classifications (1 of 4 stars). 2 submissions from 2 submitters: Uncertain significance (1); Likely benign (1). Last evaluated 2024-09-11.

Conditions:
Marinesco-Sjögren syndrome (MSS). Also called: Marinesco-SjÃ¶gren syndrome; Marinesco-Sjogren Syndrome. Identifiers: Orphanet 559, MedGen C0024814, MONDO:0009567, OMIM 248800.

gnomAD v4.1: 4 of 1,612,374 alleles (0.00025%); highest among the groups gnomAD compares: East Asian, 0.0022%; no homozygotes.

Submissions (2):

Labcorp Genetics (formerly Invitae), Labcorp
Classification: Likely benign for Marinesco-Sjögren syndrome. Last evaluated: 2024-09-11. Review status: criteria provided, single submitter. Criteria: Invitae Variant Classification Sherloc (09022015). Collection method: clinical testing. Allele origin: germline.

GeneDx
Classification: Uncertain significance. Last evaluated: 2022-06-28. Review status: criteria provided, single submitter. Criteria: GeneDx Variant Classification Process June 2021. Collection method: clinical testing. Allele origin: germline. Affected: yes.
Comment: Not observed at significant frequency in large population cohorts (gnomAD); In silico analysis supports that this variant does not alter splicing; Has not been previously published as pathogenic or benign to our knowledge